The following is an entry in ClinVar:

ClinVar aggregate classification (germline): Uncertain significance. Review status: criteria provided, multiple submitters, no conflicts (2 of 4 stars). 2 submissions from 2 submitters: Uncertain significance (2). Last evaluated 2025-05-24.

Conditions:
Congenital microcephaly - severe encephalopathy - progressive cerebral atrophy syndrome. Also called: Asparagine synthetase deficiency; ASNS DEFICIENCY. Identifiers: Orphanet 391376, MedGen C3809971, MONDO:0014258, OMIM 615574.

gnomAD v4.1: 1 of 1,611,530 alleles (0.000062%); highest among the groups gnomAD compares: Non-Finnish European, 0.000085%; no homozygotes.

Submissions (2):

Dasa
Classification: Uncertain significance for Congenital microcephaly - severe encephalopathy - progressive cerebral atrophy syndrome. Last evaluated: 2025-05-24. Review status: criteria provided, single submitter. Criteria: DASA Assertion Criteria. Collection method: clinical testing. Allele origin: germline.
Comment: NM_001673.5(ASNS):c.761G>T (p.Gly254Val) is a missense variant that results in the substitution of glycine with valine. This variant has been reported in individuals with ASNS-related disorders (PMID: 31617495). Also, this variant is rare in population databases. Computational prediction algorithms are consistent with a deleterious effect. The currently available literature and clinical evidence are not sufficient to establish a definitive association between this variant and the reported condition. Therefore, this variant is classified as a variant of uncertain significance.

Labcorp Genetics (formerly Invitae), Labcorp
Classification: Uncertain significance. Last evaluated: 2022-06-28. Review status: criteria provided, single submitter. Criteria: Invitae Variant Classification Sherloc (09022015). Collection method: clinical testing. Allele origin: germline.
Comment: This sequence change replaces glycine, which is neutral and non-polar, with valine, which is neutral and non-polar, at codon 254 of the ASNS protein (p.Gly254Val). This variant is not present in population databases (gnomAD no frequency). This missense change has been observed in individual(s) with asparagine synthetase deficiency (PMID: 31617495). Advanced modeling of protein sequence and biophysical properties (such as structural, functional, and spatial information, amino acid conservation, physicochemical variation, residue mobility, and thermodynamic stability) performed at Invitae indicates that this missense variant is expected to disrupt ASNS protein function. In summary, the available evidence is currently insufficient to determine the role of this variant in disease. Therefore, it has been classified as a Variant of Uncertain Significance.

Literature cited by the submitters: PubMed 31617495 (cited by Dasa and Labcorp Genetics (formerly Invitae), Labcorp).

NM_001673.5(ASNS):c.761G>T (p.Gly254Val)

Genes: CZ1P-ASNS (CZ1P-ASNS readthrough; minus strand), ASNS (asparagine synthetase (glutamine-hydrolyzing); minus strand). Cytogenetic location: 7q21.3.
Variant type: single nucleotide variant.
Coding change: c.761G>T on transcript NM_001673.5 (MANE Select); coding-DNA position 761, G replaced by T.
Protein change: p.Gly254Val; replaces glycine 254 with valine.
Molecular consequence: missense variant. On other transcripts: non-coding transcript variant (1).
Genome position (GRCh38, 1-based): chr7:97,858,868, C>A on the plus strand (G>T on the coding strand, the complement: ASNS is on the minus strand). VCF-style: chr7-97858868-C-A. GRCh37 (hg19) VCF-style: chr7-97488180-C-A.
Other names: c.698G>T, p.Gly233Val (NM_001178075.2); c.512G>T, p.Gly171Val (NM_001178076.2, NM_001178077.1); c.761G>T, p.Gly254Val (NM_001352496.2, NM_133436.3, NM_183356.4); short protein forms G171V, G233V, G254V.
Identifiers: ClinVar variation 1496033 (VCV001496033.7), dbSNP rs1791582512, ClinGen allele CA368268274.